The following is an entry in ClinVar:

NM_139027.6(ADAMTS13):c.950C>T (p.Pro317Leu)

Gene: ADAMTS13 (ADAM metallopeptidase with thrombospondin type 1 motif 13; plus strand). Cytogenetic location: 9q34.2.
Variant type: single nucleotide variant.
Coding change: c.950C>T on transcript NM_139027.6 (MANE Select); coding-DNA position 950, C replaced by T.
Protein change: p.Pro317Leu; replaces proline 317 with leucine.
Molecular consequence: missense variant.
Genome position (GRCh38, 1-based): chr9:133,430,064, C>T. VCF-style: chr9-133430064-C-T. GRCh37 (hg19) VCF-style: chr9-136295184-C-T.
Other names: c.950C>T, p.Pro317Leu (NM_139025.5); c.857C>T, p.Pro286Leu (NM_139026.6); short protein forms P286L, P317L.
Identifiers: ClinVar variation 3596637 (VCV003596637.3).
Genomic context (GRCh38, chr9:133,430,064, plus strand): 5'-CGGATGCGCAGCCTGGCCTCTACTACAGCGCCAACGAGCAGTGCCGCGTGGCCTTCGGCC[C>T]CAAGGCTGTCGCCTGCACCTTCGCCAGGGAGCACCTGGTGAGTCTGCCGGCGGTGGCCTG-3'
Protein context (NP_620596.2, residues 307-327): ANEQCRVAFG[Pro317Leu]KAVACTFARE

ClinVar aggregate classification (germline): Uncertain significance. Review status: criteria provided, multiple submitters, no conflicts (2 of 4 stars). 2 submissions from 2 submitters: Uncertain significance (2). Last evaluated 2024-10-16.

Conditions:
Upshaw-Schulman syndrome (TTP). Also called: THROMBOTIC THROMBOCYTOPENIC PURPURA, HEREDITARY; Congenital thrombotic thrombocytopenic purpura. Identifiers: Orphanet 93583, MedGen C1268935, MONDO:0010122, OMIM 274150.

Submissions (2):

Dasa
Classification: Uncertain significance. Last evaluated: 2024-10-16. Review status: criteria provided, single submitter. Criteria: DASA Assertion Criteria. Collection method: clinical testing. Allele origin: germline.
Comment: NM_139027.6(ADAMTS13):c.950C>T (p.Pro317Leu) is a missense variant that results in the substitution of proline with leucine. This variant has been observed in affected individuals with ADAMTS13-related disorders. Also, this variant is absent from population databases. Computational prediction algorithms are consistent with a benign effect. The currently available literature and clinical evidence are not sufficient to establish a definitive association between this variant and the reported condition. Therefore, this variant is classified as a variant of uncertain significance.

Fulgent Genetics
Classification: Uncertain significance for Upshaw-Schulman syndrome. Last evaluated: 2024-04-24. Review status: criteria provided, single submitter. Criteria: ACMG Guidelines, 2015. Collection method: clinical testing. Allele origin: germline.